The following is an entry in ClinVar:

NM_005188.4(CBL):c.1959A>G (p.Pro653=)

Gene: CBL (Cbl proto-oncogene; plus strand). Cytogenetic location: 11q23.3.
Variant type: single nucleotide variant.
Coding change: c.1959A>G on transcript NM_005188.4 (MANE Select); coding-DNA position 1959, A replaced by G.
Protein change: p.Pro653=; no amino-acid change (proline 653 retained).
Molecular consequence: synonymous variant.
Genome position (GRCh38, 1-based): chr11:119,287,869, A>G. VCF-style: chr11-119287869-A-G. GRCh37 (hg19) VCF-style: chr11-119158579-A-G.
Identifiers: ClinVar variation 767312 (VCV000767312.14), dbSNP rs752080219, ClinGen allele CA6318650.
Genomic context (GRCh38, chr11:119,287,869, plus strand): 5'-GTGGTAAGAAAGTTGTTTTTCAACACTTTTCTTTACTTTCCAGAGTATGAATAGCAGCCC[A>G]TTAGTAGGTCCAGAGTGTGACCACCCCAAAATCAAACCTTCCTCATCTGCCAATGCCATT-3'
Protein context (NP_005179.2, residues 643-663): LDTSMSMNSS[Pro653=]LVGPECDHPK

ClinVar aggregate classification (germline): Likely benign. Review status: criteria provided, multiple submitters, no conflicts (2 of 4 stars). 3 submissions from 3 submitters: Likely benign (2). 1 of the submissions does not count toward it. Last evaluated 2025-12-29.

Conditions:
CBL-related disorder. Also called: NOONAN SYNDROME-LIKE DISORDER WITHOUT JUVENILE MYELOMONOCYTIC LEUKEMIA; CBL MUTATION-ASSOCIATED SYNDROME; CBL SYNDROME. Identifiers: Orphanet 363972, MedGen C3150803, MONDO:0013308, OMIM 613563.
Cardiovascular phenotype. Identifiers: MedGen CN230736.
RASopathy. Also called: Noonan spectrum disorder; rasopathies. Identifiers: Orphanet 536391, MedGen C5555857, MONDO:0021060.

Allele frequency attached by ClinVar (database versions not stated): gnomAD 0.00001; ExAC 0.00002; TOPMed 0.00003; gnomAD exomes 0.00006.
gnomAD v4.1: 17 of 1,611,572 alleles (0.0011%); highest among the groups gnomAD compares: Admixed American, 0.028%; no homozygotes.

Submissions (3):

Labcorp Genetics (formerly Invitae), Labcorp
Classification: Likely benign for RASopathy. Last evaluated: 2025-12-29. Review status: criteria provided, single submitter. Criteria: Invitae Variant Classification Sherloc (09022015). Collection method: clinical testing. Allele origin: germline.

Ambry Genetics
Classification: Likely benign for Cardiovascular phenotype. Last evaluated: 2020-03-16. Review status: criteria provided, single submitter. Criteria: Ambry Variant Classification Scheme 2023. Collection method: clinical testing. Allele origin: germline.

PreventionGenetics, part of Exact Sciences
Classification: Likely benign for CBL-related condition. Last evaluated: 2021-05-24. Review status: no assertion criteria provided. Collection method: clinical testing. Allele origin: germline. Not counted in ClinVar's aggregate classification.
Comment: This variant is classified as likely benign based on ACMG/AMP sequence variant interpretation guidelines (Richards et al. 2015 PMID: 25741868, with internal and published modifications).